The following is an entry in ClinVar:

NM_000416.3(IFNGR1):c.775C>G (p.Leu259Val)

Gene: IFNGR1 (interferon gamma receptor 1; minus strand). Cytogenetic location: 6q23.3.
Variant type: single nucleotide variant.
Coding change: c.775C>G on transcript NM_000416.3 (MANE Select); coding-DNA position 775, C replaced by G.
Protein change: p.Leu259Val; replaces leucine 259 with valine.
Molecular consequence: missense variant.
Genome position (GRCh38, 1-based): chr6:137,200,967, G>C on the plus strand (C>G on the coding strand, the complement: IFNGR1 is on the minus strand). VCF-style: chr6-137200967-G-C. GRCh37 (hg19) VCF-style: chr6-137522104-G-C.
Other names: c.745C>G, p.Leu249Val (NM_001363526.1); c.652C>G, p.Leu218Val (NM_001363527.1); short protein forms L218V, L249V, L259V.
Identifiers: ClinVar variation 945858 (VCV000945858.9), dbSNP rs149290101, ClinGen allele CA4018872.

ClinVar aggregate classification (germline): Uncertain significance (1 of 4 stars; one submission).

Conditions:
Disseminated atypical mycobacterial infection. Identifiers: MedGen C0694566.

Allele frequency attached by ClinVar (database versions not stated): gnomAD exomes 0.00002 and 0.00006; ExAC 0.00009; 1000 Genomes Project 30x 0.00016; gnomAD 0.00016 and 0.00019; TOPMed 0.00017; 1000 Genomes Project 0.00020; ESP Exome Variant Server 0.00023.

Submission:

Labcorp Genetics (formerly Invitae), Labcorp
Classification: Uncertain significance for Disseminated atypical mycobacterial infection. Last evaluated: 2025-02-26. Review status: criteria provided, single submitter. Criteria: Invitae Variant Classification Sherloc (09022015). Collection method: clinical testing. Allele origin: germline.
Comment: This sequence change replaces leucine, which is neutral and non-polar, with valine, which is neutral and non-polar, at codon 259 of the IFNGR1 protein (p.Leu259Val). This variant is present in population databases (rs149290101, gnomAD 0.08%). This variant has not been reported in the literature in individuals affected with IFNGR1-related conditions. ClinVar contains an entry for this variant (Variation ID: 945858). Invitae Evidence Modeling of protein sequence and biophysical properties (such as structural, functional, and spatial information, amino acid conservation, physicochemical variation, residue mobility, and thermodynamic stability) indicates that this missense variant is not expected to disrupt IFNGR1 protein function with a negative predictive value of 80%. In summary, the available evidence is currently insufficient to determine the role of this variant in disease. Therefore, it has been classified as a Variant of Uncertain Significance.